The following is an entry in ClinVar:

ClinVar aggregate classification (germline): Uncertain significance (1 of 4 stars; one submission).

Conditions:
Beta-D-mannosidosis (MANSB). Also called: MANNOSIDOSIS, BETA A, LYSOSOMAL; BETA-MANNOSIDASE DEFICIENCY; LYSOSOMAL BETA-MANNOSIDASE DEFICIENCY; Beta-Mannosidosis. Identifiers: Orphanet 118, MedGen C4048196, MONDO:0009562, OMIM 248510.

Submission:

Labcorp Genetics (formerly Invitae), Labcorp
Classification: Uncertain significance for Beta-D-mannosidosis. Last evaluated: 2022-05-05. Review status: criteria provided, single submitter. Criteria: Invitae Variant Classification Sherloc (09022015). Collection method: clinical testing. Allele origin: germline.
Comment: This sequence change falls in intron 1 of the MANBA gene. It does not directly change the encoded amino acid sequence of the MANBA protein. It affects a nucleotide within the consensus splice site. This variant is not present in population databases (gnomAD no frequency). This variant has not been reported in the literature in individuals affected with MANBA-related conditions. Variants that disrupt the consensus splice site are a relatively common cause of aberrant splicing (PMID: 17576681, 9536098). Algorithms developed to predict the effect of sequence changes on RNA splicing suggest that this variant may create or strengthen a splice site. In summary, the available evidence is currently insufficient to determine the role of this variant in disease. Therefore, it has been classified as a Variant of Uncertain Significance.

Literature cited by the submitters: PubMed 17576681; PubMed 9536098.

NM_005908.4(MANBA):c.177+3A>G

Genes: MANBA (mannosidase beta; minus strand), LOC129992886 (ATAC-STARR-seq lymphoblastoid active region 21757; plus strand). Cytogenetic location: 4q24.
Variant type: single nucleotide variant.
Coding change: c.177+3A>G on transcript NM_005908.4 (MANE Select); 3 bases into the intron after coding-DNA position 177, A replaced by G.
Molecular consequence: intron variant.
Genome position (GRCh38, 1-based): chr4:102,760,715, T>C on the plus strand (A>G on the coding strand, the complement: MANBA is on the minus strand). VCF-style: chr4-102760715-T-C. GRCh37 (hg19) VCF-style: chr4-103681872-T-C.
Identifiers: ClinVar variation 1424680 (VCV001424680.3), dbSNP rs2110217534, ClinGen allele CA2573137886.